The following is an entry in ClinVar:

NM_032578.4(MYPN):c.1623C>T (p.Asn541=)

Gene: MYPN (myopalladin; plus strand). Cytogenetic location: 10q21.3.
Variant type: single nucleotide variant.
Coding change: c.1623C>T on transcript NM_032578.4 (MANE Select); coding-DNA position 1623, C replaced by T.
Protein change: p.Asn541=; no amino-acid change (asparagine 541 retained).
Molecular consequence: synonymous variant. On other transcripts: non-coding transcript variant (2).
Genome position (GRCh38, 1-based): chr10:68,166,316, C>T. VCF-style: chr10-68166316-C-T. GRCh37 (hg19) VCF-style: chr10-69926073-C-T.
Other names: c.1623C>T, p.Asn541= (NM_001256267.2); c.741C>T, p.Asn247= (NM_001256268.2).
Identifiers: ClinVar variation 515845 (VCV000515845.17), dbSNP rs746849244, ClinGen allele CA5522630.

ClinVar aggregate classification (germline): Likely benign. Review status: criteria provided, multiple submitters, no conflicts (2 of 4 stars). 4 submissions from 4 submitters: Likely benign (3). 1 of the submissions does not count toward it. Last evaluated 2025-10-22.

Conditions:
Cardiovascular phenotype. Identifiers: MedGen CN230736.
MYPN-related disorder. Also called: MYPN-related condition.
Dilated cardiomyopathy 1KK (CMD1KK). Identifiers: Orphanet 154, Orphanet 75249, MedGen C3714995, MONDO:0014100, OMIM 615248.

Allele frequency attached by ClinVar (database versions not stated): gnomAD 0.00001; ExAC 0.00002; gnomAD exomes 0.00002; TOPMed 0.00002.
gnomAD v4.1: 27 of 1,613,954 alleles (0.0017%); highest among the groups gnomAD compares: East Asian, 0.011%; 1 homozygote.

Submissions (4):

Labcorp Genetics (formerly Invitae), Labcorp
Classification: Likely benign for Dilated cardiomyopathy 1KK. Last evaluated: 2025-10-22. Review status: criteria provided, single submitter. Criteria: Invitae Variant Classification Sherloc (09022015). Collection method: clinical testing. Allele origin: germline.

Ambry Genetics
Classification: Likely benign for Cardiovascular phenotype. Last evaluated: 2021-10-19. Review status: criteria provided, single submitter. Criteria: Ambry Variant Classification Scheme 2023. Collection method: clinical testing. Allele origin: germline.

GeneDx
Classification: Likely benign. Last evaluated: 2020-02-04. Review status: criteria provided, single submitter. Criteria: GeneDx Variant Classification Process June 2021. Collection method: clinical testing. Allele origin: germline. Affected: yes.

PreventionGenetics, part of Exact Sciences
Classification: Likely benign for MYPN-related condition. Last evaluated: 2020-09-03. Review status: no assertion criteria provided. Collection method: clinical testing. Allele origin: germline. Not counted in ClinVar's aggregate classification.
Comment: This variant is classified as likely benign based on ACMG/AMP sequence variant interpretation guidelines (Richards et al. 2015 PMID: 25741868, with internal and published modifications).